The following is an entry in ClinVar:

NM_001012393.5(OPCML):c.354G>A (p.Thr118=)

Gene: OPCML (opioid binding protein/cell adhesion molecule like; minus strand). Cytogenetic location: 11q25.
Variant type: single nucleotide variant.
Coding change: c.354G>A on transcript NM_001012393.5 (MANE Select); coding-DNA position 354, G replaced by A.
Protein change: p.Thr118=; no amino-acid change (threonine 118 retained).
Molecular consequence: synonymous variant.
Genome position (GRCh38, 1-based): chr11:132,657,112, C>T on the plus strand (G>A on the coding strand, the complement: OPCML is on the minus strand). VCF-style: chr11-132657112-C-T. GRCh37 (hg19) VCF-style: chr11-132527007-C-T.
Other names: c.375G>A, p.Thr125= (NM_001319103.2, NM_001319106.2, NM_002545.5); c.75G>A, p.Thr25= (NM_001319104.4); c.252G>A, p.Thr84= (NM_001319105.2).
Identifiers: ClinVar variation 2642549 (VCV002642549.24), dbSNP rs548104590, ClinGen allele CA6368102.

ClinVar aggregate classification (germline): Likely benign (1 of 4 stars; one submission).

Allele frequency attached by ClinVar (database versions not stated): TOPMed 0.00001; ExAC 0.00002; gnomAD 0.00002; gnomAD exomes 0.00002; 1000 Genomes Project 0.00020; 1000 Genomes Project 30x 0.00031.
gnomAD v4.1: 34 of 1,614,162 alleles (0.0021%); highest among the groups gnomAD compares: South Asian, 0.014%; no homozygotes.

Submission:

CeGaT Center for Human Genetics Tuebingen
Classification: Likely benign. Last evaluated: 2023-03-01. Review status: criteria provided, single submitter. Criteria: CeGaT Center For Human Genetics Tuebingen Variant Classification Criteria Version 2. Collection method: clinical testing. Allele origin: germline. Affected: yes. Observed: 1 variant allele.
Comment: OPCML: BP4, BP7